The following is an entry in ClinVar:

NM_000045.4(ARG1):c.130G>C (p.Glu44Gln)

Genes: MED23 (mediator complex subunit 23; minus strand), ARG1 (arginase 1; plus strand). Cytogenetic location: 6q23.2.
Variant type: single nucleotide variant.
Coding change: c.130G>C on transcript NM_000045.4 (MANE Select); coding-DNA position 130, G replaced by C.
Protein change: p.Glu44Gln; replaces glutamic acid 44 with glutamine.
Molecular consequence: missense variant. On other transcripts: intron variant (2).
Genome position (GRCh38, 1-based): chr6:131,576,735, G>C. VCF-style: chr6-131576735-G-C. GRCh37 (hg19) VCF-style: chr6-131897875-G-C.
Other names: c.130G>C, p.Val44Leu (NM_001244438.2); c.130G>C, p.Glu44Gln (NM_001369020.1); c.4078-2440C>G (NM_001270521.2); c.4096-2440C>G (NM_015979.4); short protein forms E44Q, V44L.
Identifiers: ClinVar variation 571672 (VCV000571672.10), dbSNP rs1562354102, ClinGen allele CA365649909.

ClinVar aggregate classification (germline): Uncertain significance (1 of 4 stars; one submission).

Conditions:
Arginase deficiency. Also called: ARGININEMIA; ARG1 DEFICIENCY; Arginase 1 Deficiency. Identifiers: Orphanet 90, MedGen C0268548, MONDO:0008814, OMIM 207800.

Submission:

Labcorp Genetics (formerly Invitae), Labcorp
Classification: Uncertain significance for Arginase deficiency. Last evaluated: 2018-08-13. Review status: criteria provided, single submitter. Criteria: Invitae Variant Classification Sherloc (09022015). Collection method: clinical testing. Allele origin: germline.
Comment: Nucleotide substitutions within the consensus splice site are a relatively common cause of aberrant splicing (PMID: 17576681, 9536098). Algorithms developed to predict the effect of sequence changes on RNA splicing suggest that this variant may disrupt the consensus splice site, but this prediction has not been confirmed by published transcriptional studies. In summary, the available evidence is currently insufficient to determine the role of this variant in disease. Therefore, it has been classified as a Variant of Uncertain Significance. This sequence change replaces glutamic acid with glutamine at codon 44 of the ARG1 protein (p.Glu44Gln). The glutamic acid residue is moderately conserved and there is a small physicochemical difference between glutamic acid and glutamine. This variant also falls at the last nucleotide of exon 2 of the ARG1 coding sequence, which is part of the consensus splice site for this exon. This variant is not present in population databases (ExAC no frequency). This variant has been observed in combination with another ARG1 variant in an individual with clinical features of argininemia (Invitae). Algorithms developed to predict the effect of missense changes on protein structure and function (SIFT, PolyPhen-2, Align-GVGD) all suggest that this variant is likely to be tolerated, but these predictions have not been confirmed by published functional studies and their clinical significance is uncertain.

Literature cited by the submitters: PubMed 17576681; PubMed 9536098.